The following is an entry in ClinVar:

ClinVar aggregate classification (germline): Pathogenic. Review status: criteria provided, multiple submitters, no conflicts (2 of 4 stars). 8 submissions from 8 submitters: Pathogenic (7). 1 of the submissions does not count toward it. Last evaluated 2024-07-31.

Conditions:
SCN1A-related disorder. Also called: SCN1A-related disorders; SCN1A-related conditions; SCN1A-related condition.
Early-infantile DEE. Also called: Ohtahara syndrome; Early infantile epileptic encephalopathy with suppression bursts; Early infantile epileptic encephalopathy. Identifiers: Orphanet 1934, MedGen C0393706, MONDO:0800491.
Severe myoclonic epilepsy in infancy (DRVT). Also called: SEVERE MYOCLONIC EPILEPSY OF INFANCY; DEVELOPMENTAL AND EPILEPTIC ENCEPHALOPATHY 6A; Severe Myoclonic Epilepsy in Infancy (SMEI); Dravet syndrome; Epileptic encephalopathy, early infantile, 6 (Dravet syndrome). Identifiers: Orphanet 33069, MedGen C0751122, MONDO:0100135, OMIM 607208.
Epileptic encephalopathy. Identifiers: MedGen C0543888, HP:0200134.

Submissions (8):

3billion
Classification: Pathogenic for SCN1A-related disorder. Last evaluated: 2024-07-31. Review status: criteria provided, single submitter. Criteria: ACMG Guidelines, 2015. Collection method: clinical testing. Allele origin: germline. Affected: yes.
Comment: The variant is not observed in the gnomAD v4.0.0 dataset. Predicted Consequence/Location: Frameshift: predicted to result in a loss or disruption of normal protein function through protein truncation. Multiple pathogenic variants are reported in the predicted truncated region. The variant has been reported at least twice as pathogenic with clinical assertions and evidence for the classification (ClinVar ID: VCV000189914 /PMID: 11359211 /3billion dataset). Therefore, this variant is classified as Pathogenic according to the recommendation of ACMG/AMP guideline.

Labcorp Genetics (formerly Invitae), Labcorp
Classification: Pathogenic for Early-infantile DEE. Last evaluated: 2023-08-08. Review status: criteria provided, single submitter. Criteria: Invitae Variant Classification Sherloc (09022015). Collection method: clinical testing. Allele origin: germline.
Comment: For these reasons, this variant has been classified as Pathogenic. This sequence change creates a premature translational stop signal (p.Phe1671Thrfs*8) in the SCN1A gene. While this is not anticipated to result in nonsense mediated decay, it is expected to disrupt the last 339 amino acid(s) of the SCN1A protein. This variant is not present in population databases (gnomAD no frequency). This premature translational stop signal has been observed in individual(s) with Dravet syndrome and early infantile epileptic encephalopathy (PMID: 11359211, 26993267). In at least one individual the variant was observed to be de novo. ClinVar contains an entry for this variant (Variation ID: 189914). This variant disrupts a region of the SCN1A protein in which other variant(s) (p.Lys1846Serfs*11, p.Arg1886*) have been determined to be pathogenic (PMID: 11359211, 14504318, 17054684, 18930999, 21719429). This suggests that this is a clinically significant region of the protein, and that variants that disrupt it are likely to be disease-causing.

CeGaT Center for Human Genetics Tuebingen
Classification: Pathogenic. Last evaluated: 2022-06-01. Review status: criteria provided, single submitter. Criteria: CeGaT Center For Human Genetics Tuebingen Variant Classification Criteria Version 2. Collection method: clinical testing. Allele origin: germline. Affected: yes. Observed: 1 variant allele.
Comment: SCN1A: PS2:Very Strong, PM2

Institute of Human Genetics, University of Leipzig Medical Center
Classification: Pathogenic for Severe myoclonic epilepsy in infancy. Last evaluated: 2021-11-19. Review status: criteria provided, single submitter. Criteria: ACMG Guidelines, 2015. Collection method: clinical testing. Allele origin: de novo. Affected: yes.
Comment: This variant was identified as de novo (maternity and paternity confirmed)._x000D_ Criteria applied: PVS1, PS2_VSTR, PS4, PM2_SUP

Genetic Services Laboratory, University of Chicago
Classification: Pathogenic. Last evaluated: 2017-08-11. Review status: criteria provided, single submitter. Criteria: ACMG Guidelines, 2015. Collection method: clinical testing. Allele origin: germline. Affected: yes.

Center for Bioinformatics, Peking University
Classification: Pathogenic for Dravet syndrome. Last evaluated: 2014-12-20. Review status: criteria provided, single submitter. Criteria: Xu et al. (Hum Mutat. 2015). Collection method: research. Allele origin: de novo. Affected: yes. Observed: 1 variant allele. Study: University Clinical Cooperation “985 Project” PKU-2014-1-1.
Comment: Dravet syndrome (DS) probands were recruited from the outpatient and inpatient child neurology units of Peking University First Hospital from 2005 till present. The study was approved by the Ethics Committee of Peking University First Hospital and the Institutional Review Board at Peking University. Participants or their parents provided written informed consent before enrollment. We collected a total of 267 mutations from 255 families with probands diagnosed with DS in China. All probands fulfilled the clinical diagnostic criteria.

GeneDx
Classification: Pathogenic. Last evaluated: 2014-08-19. Review status: criteria provided, single submitter. Criteria: GeneDx Variant Classification (06012015). Collection method: clinical testing. Allele origin: germline. Affected: yes.
Comment: c.5010_5013delGTTT: p.Phe1671ThrfsX8 (F1671TfsX8) in exon 26 of the SCN1A gene (NM_001165963.1). The normal sequence with the bases that are deleted in braces is: CGTT{GTTT}AACA. The c.5010_5013delGTTT mutation in the SCN1A gene has been reported previously as a de novo mutation in association with SCN1A-related disorders (Claes et al., 2001; Depienne et al., 2009). The deletion causes a frameshift starting with codon Phenylalanine 1671, changes this amino acid to a Threonine residue and creates a premature Stop codon at position 8 of the new reading frame, denoted p.Phe1671ThrfsX8. This mutation is predicted to cause loss of normal protein function through protein truncation as the last 339 amino acids of the SCN1A protein are replaced with 7 incorrect amino acids. The variant is found in EPILEPSY panel(s).

NIHR Bioresource Rare Diseases, University of Cambridge
Classification: Pathogenic for Epileptic encephalopathy. Review status: no assertion criteria provided. Collection method: research. Allele origin: unknown. Affected: yes. Observed: 1 variant allele. Not counted in ClinVar's aggregate classification.

Literature cited by the submitters: PubMed 11359211 (cited by 3billion and Labcorp Genetics (formerly Invitae), Labcorp); PubMed 26993267 (cited by Labcorp Genetics (formerly Invitae), Labcorp); PubMed 14504318 (cited by Labcorp Genetics (formerly Invitae), Labcorp); PubMed 17054684 (cited by Labcorp Genetics (formerly Invitae), Labcorp); PubMed 18930999 (cited by Labcorp Genetics (formerly Invitae), Labcorp); PubMed 21719429 (cited by Labcorp Genetics (formerly Invitae), Labcorp); PubMed 32581362 (cited by NIHR Bioresource Rare Diseases, University of Cambridge).

NM_001165963.4(SCN1A):c.5010_5013del (p.Phe1671fs)

Genes: SCN1A (sodium voltage-gated channel alpha subunit 1; minus strand), LOC102724058 (uncharacterized LOC102724058; plus strand). Cytogenetic location: 2q24.3.
Variant type: Deletion.
Coding change: c.5010_5013del on transcript NM_001165963.4 (MANE Select); coding-DNA positions 5010 to 5013, 4 bases deleted (GTTT; older notation c.5010_5013delGTTT).
Protein change: p.Phe1671fs; shifts the reading frame from phenylalanine 1671.
Molecular consequence: frameshift variant. On other transcripts: non-coding transcript variant (1).
Genome position (GRCh38, 1-based): chr2:165,992,262-165,992,265, AAAC deleted on the plus strand (GTTT on the coding strand, the reverse complement: SCN1A is on the minus strand); deleting any 4 consecutive bases within chr2:165,992,262-165,992,267 gives the same sequence; the c. name uses the placement nearest the transcript's 3' end. VCF-style (leftmost placement, unchanged base first): chr2-165992261-TAAAC-T. GRCh37 (hg19) VCF-style: chr2-166848771-TAAAC-T.
Other names: c.5010_5013del, p.Phe1671fs (NM_001353948.2, NM_001202435.3); c.4977_4980del, p.Phe1660fs (NM_001353949.2, NM_001353950.2, NM_001353951.2 and 2 more transcripts); c.4974_4977del, p.Phe1659fs (NM_001353954.2, NM_001353955.2); c.4926_4929del, p.Phe1643fs (NM_001353957.2, NM_001353958.2, NM_001165964.3); c.4923_4926del, p.Phe1642fs (NM_001353960.2); c.2568_2571del, p.Phe857fs (NM_001353961.2); c.5010_5013delGTTT (NM_001165963.1); short protein forms F857fs, F1659fs, F1671fs, F1642fs, F1643fs, F1660fs.
Identifiers: ClinVar variation 189914 (VCV000189914.39), dbSNP rs794726754, ClinGen allele CA303294.